The following is an entry in ClinVar:

ClinVar aggregate classification (germline): Pathogenic. Review status: criteria provided, multiple submitters, no conflicts (2 of 4 stars). 7 submissions from 7 submitters: Pathogenic (6). 1 of the submissions does not count toward it. Last evaluated 2025-09-28.

Conditions:
DNAH5-related disorder. Also called: DNAH5-related condition.
Primary ciliary dyskinesia. Also called: Ciliary dyskinesia. Identifiers: Orphanet 244, MedGen C0008780, MONDO:0016575, HP:0012265.
Primary ciliary dyskinesia 3. Identifiers: Orphanet 244, MedGen C1837618, MONDO:0012085, OMIM 608644.

Allele frequency attached by ClinVar (database versions not stated): ExAC 0.00001; gnomAD exomes 0.00001 and 0.00002; TOPMed 0.00001; gnomAD 0.00002.
gnomAD v4.1: 20 of 1,613,368 alleles (0.0012%); highest among the groups gnomAD compares: Admixed American, 0.0033%; no homozygotes.

Submissions (7):

Labcorp Genetics (formerly Invitae), Labcorp
Classification: Pathogenic for Primary ciliary dyskinesia. Last evaluated: 2025-09-28. Review status: criteria provided, single submitter. Criteria: Invitae Variant Classification Sherloc (09022015). Collection method: clinical testing. Allele origin: germline.
Comment: This sequence change creates a premature translational stop signal (p.Arg478*) in the DNAH5 gene. It is expected to result in an absent or disrupted protein product. Loss-of-function variants in DNAH5 are known to be pathogenic (PMID: 11788826, 16627867). This variant is present in population databases (rs747900131, gnomAD 0.004%). This variant has not been reported in the literature in individuals affected with DNAH5-related conditions. ClinVar contains an entry for this variant (Variation ID: 454748). For these reasons, this variant has been classified as Pathogenic.

Natera, Inc.
Classification: Pathogenic for Primary ciliary dyskinesia. Last evaluated: 2025-08-14. Review status: criteria provided, single submitter. Criteria: Natera Variant Classification Schema (03/2026). Collection method: clinical testing. Allele origin: germline.
Comment: The c.1432C>T variant in DNAH5 is a nonsense variant predicted to introduce a stop codon at amino acid 478. This variant is expected to result in nonsense mediated decay, truncation, or a dysfunctional protein product. This variant is rare in the general population with a frequency below the threshold expected for the associated phenotype(s). This variant has been observed in one or more individuals affected with the associated recessive disease, as either homozygous or compound heterozygous with a second variant (PMID: 30067075). Given the available evidence, this variant is classified as Pathogenic.

GeneDx
Classification: Pathogenic. Last evaluated: 2025-07-10. Review status: criteria provided, single submitter. Criteria: GeneDx Variant Classification Process June 2021. Collection method: clinical testing. Allele origin: germline. Affected: yes.
Comment: Nonsense variant predicted to result in protein truncation or nonsense mediated decay in a gene for which loss of function is a known mechanism of disease; This variant is associated with the following publications: (PMID: 38206729, 39902670, Shoman2024[Case Report], 33038333, 30067075)

PreventionGenetics, part of Exact Sciences
Classification: Pathogenic for DNAH5-related condition. Last evaluated: 2024-11-16. Review status: criteria provided, single submitter. Criteria: ACMG Guidelines, 2015. Collection method: clinical testing. Allele origin: germline.
Comment: The DNAH5 c.1432C>T variant is predicted to result in premature protein termination (p.Arg478*). This variant was reported in a compound heterozygous individual with primary ciliary dyskinesia (Davis et al. 2018. PubMed ID: 30067075). This variant is reported in 0.0046% of alleles in individuals of European (Finnish) descent in gnomAD. Nonsense variants in DNAH5 are expected to be pathogenic. This variant is interpreted as pathogenic.

3billion
Classification: Pathogenic for Primary ciliary dyskinesia 3. Last evaluated: 2022-09-01. Review status: criteria provided, single submitter. Criteria: ACMG Guidelines, 2015. Collection method: clinical testing. Allele origin: germline. Affected: yes. Observed: 1 heterozygote.
Comment: The variant is observed at an extremely low frequency in the gnomAD v2.1.1 dataset (total allele frequency: 0.002%). Stop-gained (nonsense) is predicted to result in a loss or disruption of normal protein function through nonsense-mediated decay (NMD) or protein truncation. Multiple pathogenic variants are reported downstream of the variant. The variant has been reported at least twice as pathogenic without evidence for the classification (ClinVar ID: VCV000454748 / PMID: 30067075). Therefore, this variant is classified as Pathogenic according to the recommendation of ACMG/AMP guideline.

Ambry Genetics
Classification: Pathogenic for Primary ciliary dyskinesia. Last evaluated: 2022-06-07. Review status: criteria provided, single submitter. Criteria: Ambry Variant Classification Scheme 2023. Collection method: clinical testing. Allele origin: germline.
Comment: The p.R478* pathogenic mutation (also known as c.1432C>T), located in coding exon 11 of the DNAH5 gene, results from a C to T substitution at nucleotide position 1432. This changes the amino acid from an arginine to a stop codon within coding exon 11. This alteration was detected in conjunction with another DNAH5 truncating mutation in an individual diagnosed with primary ciliary dyskinesia (Davis SD et al. Am J Respir Crit Care Med, 2019 01;199:190-198). This alteration is expected to result in loss of function by premature protein truncation or nonsense-mediated mRNA decay. As such, this alteration is interpreted as a disease-causing mutation.

Yale Center for Mendelian Genomics, Yale University
Classification: Likely pathogenic for Primary ciliary dyskinesia. Last evaluated: 2018-08-01. Review status: no assertion criteria provided. Collection method: literature only. Allele origin: germline. Affected: yes. Observed: 1 compound heterozygote. Study: Yale Center for Mendelian Genomics. Not counted in ClinVar's aggregate classification.

Literature cited by the submitters: PubMed 11788826 (cited by Labcorp Genetics (formerly Invitae), Labcorp); PubMed 16627867 (cited by Labcorp Genetics (formerly Invitae), Labcorp); PubMed 30067075 (cited by 4 submitters).

NM_001369.3(DNAH5):c.1432C>T (p.Arg478Ter)

Gene: DNAH5 (dynein axonemal heavy chain 5; minus strand). Cytogenetic location: 5p15.2.
Variant type: single nucleotide variant.
Coding change: c.1432C>T on transcript NM_001369.3 (MANE Select); coding-DNA position 1432, C replaced by T.
Protein change: p.Arg478Ter; replaces arginine 478 with a stop codon.
Molecular consequence: nonsense.
Genome position (GRCh38, 1-based): chr5:13,913,847, G>A on the plus strand (C>T on the coding strand, the complement: DNAH5 is on the minus strand). VCF-style: chr5-13913847-G-A. GRCh37 (hg19) VCF-style: chr5-13913956-G-A.
Other names: short protein forms R478*.
Identifiers: ClinVar variation 454748 (VCV000454748.20), dbSNP rs747900131, ClinGen allele CA3204856.